The following is an entry in ClinVar:

NM_198428.3(BBS9):c.1868A>G (p.Tyr623Cys)

Gene: BBS9 (Bardet-Biedl syndrome 9; plus strand). Cytogenetic location: 7p14.3.
Variant type: single nucleotide variant.
Coding change: c.1868A>G on transcript NM_198428.3 (MANE Select); coding-DNA position 1868, A replaced by G.
Protein change: p.Tyr623Cys; replaces tyrosine 623 with cysteine.
Molecular consequence: missense variant. On other transcripts: non-coding transcript variant (3).
Genome position (GRCh38, 1-based): chr7:33,383,744, A>G. VCF-style: chr7-33383744-A-G. GRCh37 (hg19) VCF-style: chr7-33423356-A-G.
Other names: c.1763A>G, p.Tyr588Cys (NM_001033604.2); c.1853A>G, p.Tyr618Cys (NM_001033605.2); c.1868A>G, p.Tyr623Cys (NM_001348036.1, NM_001348041.4, NM_001348043.3 and 1 more transcripts); c.1502A>G, p.Tyr501Cys (NM_001348037.3, NM_001348045.3, NM_001348046.3); c.1595A>G, p.Tyr532Cys (NM_001348038.3); c.1490A>G, p.Tyr497Cys (NM_001348039.3); c.1748A>G, p.Tyr583Cys (NM_001348040.3, NM_014451.4); c.1733A>G, p.Tyr578Cys (NM_001348042.3); and 1 more; short protein forms Y466C, Y588C, Y618C, Y578C, Y623C, Y497C, Y501C, Y532C.
Identifiers: ClinVar variation 5000601 (VCV005000601.1).

ClinVar aggregate classification (germline): Uncertain significance (1 of 4 stars; one submission).

Conditions:
BBS9-related disorder. Also called: BBS9-related condition.

gnomAD v4.1: 1 of 1,612,942 alleles (0.000062%); highest among the groups gnomAD compares: Non-Finnish European, 0.000085%; no homozygotes.

Submission:

PreventionGenetics, part of Exact Sciences
Classification: Uncertain significance for BBS9-related condition. Last evaluated: 2025-04-11. Review status: criteria provided, single submitter. Criteria: ACMG Guidelines, 2015. Collection method: clinical testing. Allele origin: germline.
Comment: The BBS9 c.1868A>G variant is predicted to result in the amino acid substitution p.Tyr623Cys. To our knowledge, this variant has not been reported in the literature or in a large population database (gnomAD), indicating this variant is rare. At this time, the clinical significance of this variant is uncertain due to the absence of conclusive functional and genetic evidence.